The following is an entry in ClinVar:

ClinVar aggregate classification (germline): Uncertain significance (1 of 4 stars; one submission).

Conditions:
SEMA3G-related disorder. Also called: SEMA3G-related condition.

Submission:

PreventionGenetics, part of Exact Sciences
Classification: Uncertain significance for SEMA3G-related condition. Last evaluated: 2025-03-26. Review status: criteria provided, single submitter. Criteria: ACMG Guidelines, 2015. Collection method: clinical testing. Allele origin: germline.
Comment: The SEMA3G c.1658G>C variant is predicted to result in the amino acid substitution p.Ser553Thr. To our knowledge, this variant has not been reported in the literature or in a large population database (gnomAD), indicating this variant is rare. At this time, the clinical significance of this variant is uncertain due to the absence of conclusive functional and genetic evidence.

NM_020163.3(SEMA3G):c.1658G>C (p.Ser553Thr)

Gene: SEMA3G (semaphorin 3G; minus strand). Cytogenetic location: 3p21.1.
Variant type: single nucleotide variant.
Coding change: c.1658G>C on transcript NM_020163.3 (MANE Select); coding-DNA position 1658, G replaced by C.
Protein change: p.Ser553Thr; replaces serine 553 with threonine.
Molecular consequence: missense variant.
Genome position (GRCh38, 1-based): chr3:52,438,051, C>G on the plus strand (G>C on the coding strand, the complement: SEMA3G is on the minus strand). VCF-style: chr3-52438051-C-G. GRCh37 (hg19) VCF-style: chr3-52472067-C-G.
Other names: short protein forms S553T.
Identifiers: ClinVar variation 4997891 (VCV004997891.1).